The following is an entry in ClinVar:

NM_001165963.4(SCN1A):c.4372del (p.Tyr1458fs)

Genes: SCN1A (sodium voltage-gated channel alpha subunit 1; minus strand), LOC102724058 (uncharacterized LOC102724058; plus strand). Cytogenetic location: 2q24.3.
Variant type: Deletion.
Coding change: c.4372del on transcript NM_001165963.4 (MANE Select); coding-DNA position 4372, one base deleted (T; older notation c.4372delT).
Protein change: p.Tyr1458fs; shifts the reading frame from tyrosine 1458.
Molecular consequence: frameshift variant. On other transcripts: non-coding transcript variant (1).
Genome position (GRCh38, 1-based): chr2:165,998,142, A deleted on the plus strand (T on the coding strand, the reverse complement: SCN1A is on the minus strand). VCF-style (leftmost placement, unchanged base first): chr2-165998141-TA-T. GRCh37 (hg19) VCF-style: chr2-166854651-TA-T.
Other names: c.4372del, p.Tyr1458fs (NM_001353948.2, NM_001202435.3); c.4339del, p.Tyr1447fs (NM_001353949.2, NM_001353950.2, NM_001353951.2 and 2 more transcripts); c.4336del, p.Tyr1446fs (NM_001353954.2, NM_001353955.2); c.4288del, p.Tyr1430fs (NM_001353957.2, NM_001353958.2, NM_001165964.3); c.4285del, p.Tyr1429fs (NM_001353960.2); c.1930del, p.Tyr644fs (NM_001353961.2); short protein forms Y1429fs, Y1430fs, Y1446fs, Y644fs, Y1447fs, Y1458fs.
Identifiers: ClinVar variation 942031 (VCV000942031.8), dbSNP rs1690342079, ClinGen allele CA1139655710.

ClinVar aggregate classification (germline): Pathogenic (1 of 4 stars; one submission).

Conditions:
Early-infantile DEE. Also called: Early infantile epileptic encephalopathy; Ohtahara syndrome; Early infantile epileptic encephalopathy with suppression bursts. Identifiers: Orphanet 1934, MedGen C0393706, MONDO:0800491.

Submission:

Labcorp Genetics (formerly Invitae), Labcorp
Classification: Pathogenic for Early-infantile DEE. Last evaluated: 2020-10-08. Review status: criteria provided, single submitter. Criteria: Invitae Variant Classification Sherloc (09022015). Collection method: clinical testing. Allele origin: germline.
Comment: This sequence change creates a premature translational stop signal (p.Tyr1458Thrfs*18) in the SCN1A gene. It is expected to result in an absent or disrupted protein product. For these reasons, this variant has been classified as Pathogenic. Loss-of-function variants in SCN1A are known to be pathogenic (PMID: 17347258, 18930999). This variant has not been reported in the literature in individuals with SCN1A-related conditions. This variant is not present in population databases (ExAC no frequency).

Literature cited by the submitters: PubMed 17347258; PubMed 18930999.